The following is an entry in ClinVar:

NM_152393.4(KLHL40):c.611G>A (p.Ser204Asn)

Gene: KLHL40 (kelch like family member 40; plus strand). Cytogenetic location: 3p22.1.
Variant type: single nucleotide variant.
Coding change: c.611G>A on transcript NM_152393.4 (MANE Select); coding-DNA position 611, G replaced by A.
Protein change: p.Ser204Asn; replaces serine 204 with asparagine.
Molecular consequence: missense variant.
Genome position (GRCh38, 1-based): chr3:42,686,229, G>A. VCF-style: chr3-42686229-G-A. GRCh37 (hg19) VCF-style: chr3-42727721-G-A.
Other names: short protein forms S204N.
Identifiers: ClinVar variation 943974 (VCV000943974.4), dbSNP rs879858391, ClinGen allele CA74191847.

ClinVar aggregate classification (germline): Uncertain significance (1 of 4 stars; one submission).

Conditions:
Nemaline myopathy 8 (NEM8). Also called: Nemaline myopathy 8, autosomal recessive. Identifiers: Orphanet 171430, MedGen C3809209, MONDO:0014138, OMIM 615348.

Allele frequency attached by ClinVar (database versions not stated): gnomAD 0.00001; gnomAD exomes 0.00001.
gnomAD v4.1: 5 of 1,556,076 alleles (0.00032%); highest among the groups gnomAD compares: Admixed American, 0.0056%; no homozygotes.

Submission:

Labcorp Genetics (formerly Invitae), Labcorp
Classification: Uncertain significance for Nemaline myopathy 8. Last evaluated: 2022-10-13. Review status: criteria provided, single submitter. Criteria: Invitae Variant Classification Sherloc (09022015). Collection method: clinical testing. Allele origin: germline.
Comment: In summary, the available evidence is currently insufficient to determine the role of this variant in disease. Therefore, it has been classified as a Variant of Uncertain Significance. Advanced modeling of protein sequence and biophysical properties (such as structural, functional, and spatial information, amino acid conservation, physicochemical variation, residue mobility, and thermodynamic stability) performed at Invitae indicates that this missense variant is not expected to disrupt KLHL40 protein function. ClinVar contains an entry for this variant (Variation ID: 943974). This variant has not been reported in the literature in individuals affected with KLHL40-related conditions. This variant is present in population databases (no rsID available, gnomAD 0.004%). This sequence change replaces serine, which is neutral and polar, with asparagine, which is neutral and polar, at codon 204 of the KLHL40 protein (p.Ser204Asn).